The following is an entry in ClinVar:

ClinVar aggregate classification (germline): Uncertain significance (1 of 4 stars; one submission).

Allele frequency attached by ClinVar (database versions not stated): ESP Exome Variant Server 0.00008.
gnomAD v4.1: 15 of 1,614,036 alleles (0.00093%); highest among the groups gnomAD compares: African/African-American, 0.0093%; no homozygotes.

Submission:

Labcorp Genetics (formerly Invitae), Labcorp
Classification: Uncertain significance. Last evaluated: 2026-01-21. Review status: criteria provided, single submitter. Criteria: Invitae Variant Classification Sherloc (09022015). Collection method: clinical testing. Allele origin: germline.
Comment: This sequence change replaces threonine, which is neutral and polar, with isoleucine, which is neutral and non-polar, at codon 443 of the NPAT protein (p.Thr443Ile). This variant is present in population databases (rs369197687, gnomAD 0.005%). This variant has not been reported in the literature in individuals affected with NPAT-related conditions. ClinVar contains an entry for this variant (Variation ID: 2960584). An algorithm developed to predict the effect of missense changes on protein structure and function (PolyPhen-2) suggests that this variant is likely to be disruptive. In summary, the available evidence is currently insufficient to determine the role of this variant in disease. Therefore, it has been classified as a Variant of Uncertain Significance.

NM_002519.3(NPAT):c.1328C>T (p.Thr443Ile)

Gene: NPAT (nuclear protein, coactivator of histone transcription; minus strand). Cytogenetic location: 11q22.3.
Variant type: single nucleotide variant.
Coding change: c.1328C>T on transcript NM_002519.3 (MANE Select); coding-DNA position 1328, C replaced by T.
Protein change: p.Thr443Ile; replaces threonine 443 with isoleucine.
Molecular consequence: missense variant.
Genome position (GRCh38, 1-based): chr11:108,173,656, G>A on the plus strand (C>T on the coding strand, the complement: NPAT is on the minus strand). VCF-style: chr11-108173656-G-A. GRCh37 (hg19) VCF-style: chr11-108044383-G-A.
Other names: c.1328C>T, p.Thr443Ile (NM_001321307.1); short protein forms T443I.
Identifiers: ClinVar variation 2960584 (VCV002960584.3), dbSNP rs369197687, ClinGen allele CA6264019.